The following is an entry in ClinVar:

NM_174936.4(PCSK9):c.1976G>C (p.Arg659Pro)

Gene: PCSK9 (proprotein convertase subtilisin/kexin type 9; plus strand). Cytogenetic location: 1p32.3.
Variant type: single nucleotide variant.
Coding change: c.1976G>C on transcript NM_174936.4 (MANE Select); coding-DNA position 1976, G replaced by C.
Protein change: p.Arg659Pro; replaces arginine 659 with proline.
Molecular consequence: missense variant.
Genome position (GRCh38, 1-based): chr1:55,063,481, G>C. VCF-style: chr1-55063481-G-C. GRCh37 (hg19) VCF-style: chr1-55529154-G-C.
Other names: c.2099G>C, p.Arg700Pro (NM_001407240.1); c.2018G>C, p.Arg673Pro (NM_001407241.1); c.1979G>C, p.Arg660Pro (NM_001407242.1); c.1919G>C, p.Arg640Pro (NM_001407243.1); c.1802G>C, p.Arg601Pro (NM_001407244.1); c.1784G>C, p.Arg595Pro (NM_001407245.1); c.1601G>C, p.Arg534Pro (NM_001407246.1); c.1475G>C, p.Arg492Pro (NM_001407247.1); short protein forms R601P, R659P, R492P, R640P, R534P, R660P, R673P, R700P.
Identifiers: ClinVar variation 1783718 (VCV001783718.2), dbSNP rs780214893, ClinGen allele CA340480763.
Genomic context (GRCh38, chr1:55,063,481, plus strand): 5'-CTGGGACCTCCCACGTCCTGGGGGCCTACGCCGTAGACAACACGTGTGTAGTCAGGAGCC[G>C]GGACGTCAGCACTACAGGCAGCACCAGCGAAGGGGCCGTGACAGCCGTTGCCATCTGCTG-3'
Protein context (NP_777596.2, residues 649-669): AVDNTCVVRS[Arg659Pro]DVSTTGSTSE

ClinVar aggregate classification (germline): Uncertain significance (1 of 4 stars; one submission).

Conditions:
Cardiovascular phenotype. Identifiers: MedGen CN230736.

gnomAD v4.1: 1 of 1,613,944 alleles (0.000062%); highest among the groups gnomAD compares: Non-Finnish European, 0.000085%; no homozygotes.

Submission:

Ambry Genetics
Classification: Uncertain significance for Cardiovascular phenotype. Last evaluated: 2022-09-24. Review status: criteria provided, single submitter. Criteria: Ambry Variant Classification Scheme 2023. Collection method: clinical testing. Allele origin: germline.
Comment: The p.R659P variant (also known as c.1976G>C), located in coding exon 12 of the PCSK9 gene, results from a G to C substitution at nucleotide position 1976. The arginine at codon 659 is replaced by proline, an amino acid with dissimilar properties. This amino acid position is conserved. In addition, this alteration is predicted to be tolerated by in silico analysis. Since supporting evidence is limited at this time, the clinical significance of this alteration remains unclear.